The following is an entry in ClinVar:

ClinVar aggregate classification (germline): Pathogenic (1 of 4 stars; one submission).

Submission:

Labcorp Genetics (formerly Invitae), Labcorp
Classification: Pathogenic. Last evaluated: 2021-12-12. Review status: criteria provided, single submitter. Criteria: Invitae Variant Classification Sherloc (09022015). Collection method: clinical testing. Allele origin: germline.
Comment: For these reasons, this variant has been classified as Pathogenic. This variant has not been reported in the literature in individuals affected with PDE6C-related conditions. This variant is not present in population databases (gnomAD no frequency). This sequence change creates a premature translational stop signal (p.Thr576Ilefs*3) in the PDE6C gene. It is expected to result in an absent or disrupted protein product. Loss-of-function variants in PDE6C are known to be pathogenic (PMID: 19887631, 23776498, 26103963, 30080950).

Literature cited by the submitters: PubMed 19887631; PubMed 23776498; PubMed 26103963; PubMed 30080950.

NM_006204.4(PDE6C):c.1727del (p.Thr576fs)

Gene: PDE6C (phosphodiesterase 6C; plus strand). Cytogenetic location: 10q23.33.
Variant type: Deletion.
Coding change: c.1727del on transcript NM_006204.4 (MANE Select); coding-DNA position 1727, one base deleted (C; older notation c.1727delC).
Protein change: p.Thr576fs; shifts the reading frame from threonine 576.
Molecular consequence: frameshift variant.
Genome position (GRCh38, 1-based): chr10:93,640,547, C deleted. VCF-style (leftmost placement, unchanged base first): chr10-93640546-AC-A. GRCh37 (hg19) VCF-style: chr10-95400303-AC-A.
Other names: short protein forms T576fs.
Identifiers: ClinVar variation 1453230 (VCV001453230.6), dbSNP rs1370683336, ClinGen allele CA670074627.